The following is an entry in ClinVar:

NM_001384732.1(CPLANE1):c.5931T>G (p.His1977Gln)

Gene: CPLANE1 (ciliogenesis and planar polarity effector complex subunit 1; minus strand). Cytogenetic location: 5p13.2.
Variant type: single nucleotide variant.
Coding change: c.5931T>G on transcript NM_001384732.1 (MANE Select); coding-DNA position 5931, T replaced by G.
Protein change: p.His1977Gln; replaces histidine 1977 with glutamine.
Molecular consequence: missense variant.
Genome position (GRCh38, 1-based): chr5:37,175,956, A>C on the plus strand (T>G on the coding strand, the complement: CPLANE1 is on the minus strand). VCF-style: chr5-37175956-A-C. GRCh37 (hg19) VCF-style: chr5-37176058-A-C.
Other names: c.5931T>G, p.His1977Gln (NM_023073.4); short protein forms H1977Q.
Identifiers: ClinVar variation 4987575 (VCV004987575.1).

ClinVar aggregate classification (germline): Uncertain significance (1 of 4 stars; one submission).

Conditions:
CPLANE1-related disorder. Also called: CPLANE1-related condition.

gnomAD v4.1: 31 of 1,613,436 alleles (0.0019%); highest among the groups gnomAD compares: Non-Finnish European, 0.0024%; no homozygotes.

Submission:

PreventionGenetics, part of Exact Sciences
Classification: Uncertain significance for CPLANE1-related condition. Last evaluated: 2025-04-24. Review status: criteria provided, single submitter. Criteria: ACMG Guidelines, 2015. Collection method: clinical testing. Allele origin: germline.
Comment: The CPLANE1 c.5931T>G variant is predicted to result in the amino acid substitution p.His1977Gln. To our knowledge, this variant has not been reported in the literature. This variant is reported in 0.0035% of alleles in individuals of European (Non-Finnish) descent in gnomAD. At this time, the clinical significance of this variant is uncertain due to the absence of conclusive functional and genetic evidence.